The following is an entry in ClinVar:

NC_000002.11:g.(153616354_154334750)_(162934546_162999874)del

Genes: ACVR1 (activin A receptor type 1; minus strand), ACVR1C (activin A receptor type 1C; minus strand), ARL6IP6 (ARF like GTPase 6 interacting protein 6; plus strand), BAZ2B (bromodomain adjacent to zinc finger domain 2B; minus strand), CCDC148 (coiled-coil domain containing 148; minus strand) and 26 more. Cytogenetic location: 2q23.3-24.2.
Variant type: Deletion.
Identifiers: ClinVar variation 4974525 (VCV004974525.1).

ClinVar aggregate classification (germline): Pathogenic (1 of 4 stars; one submission).

Conditions:
Developmental and epileptic encephalopathy, 1 (DEE1). Also called: X-linked infantile spasms; West's syndrome; Tonic spasms with clustering, arrest of psychomotor development and hypsarrhythmia on EEG; X-Linked Infantile Spasm Syndrome; OHTAHARA SYNDROME, X-LINKED; INFANTILE SPASM SYNDROME, X-LINKED 1. Identifiers: MedGen C3463992, MONDO:0010632, OMIM 308350. Disease mechanism: loss of function.

Submission:

Solve-RD Consortium
Classification: Pathogenic for Developmental and epileptic encephalopathy, 1. Review status: criteria provided, single submitter. Criteria: ACMG/ClinGen CNV Guidelines, 2019. Collection method: provider interpretation. Allele origin: germline. Inheritance: Autosomal dominant inheritance. Affected: yes. Study: Solve-RD DIFT-EpiCARE reanalysis.
Comment: 1A, 2A, 2H, 3C, 4A

Variant identified during reanalysis of unsolved cases by the Solve-RD project. The Solve-RD project has received funding from the European Union’s Horizon 2020 research and innovation programme under grant agreement No 779257.